The following is an entry in ClinVar:

NM_002658.6(PLAU):c.878G>A (p.Arg293Gln)

Genes: C10orf55 (chromosome 10 putative open reading frame 55; minus strand), PLAU (plasminogen activator, urokinase; plus strand). Cytogenetic location: 10q22.2.
Variant type: single nucleotide variant.
Coding change: c.878G>A on transcript NM_002658.6 (MANE Select); coding-DNA position 878, G replaced by A.
Protein change: p.Arg293Gln; replaces arginine 293 with glutamine.
Molecular consequence: missense variant.
Genome position (GRCh38, 1-based): chr10:73,914,824, G>A. VCF-style: chr10-73914824-G-A. GRCh37 (hg19) VCF-style: chr10-75674582-G-A.
Other names: c.827G>A, p.Arg276Gln (NM_001145031.3); c.620G>A, p.Arg207Gln (NM_001319191.2); short protein forms R276Q, R293Q, R207Q.
Identifiers: ClinVar variation 300757 (VCV000300757.6), dbSNP rs546931331, ClinGen allele CA5562573.

ClinVar aggregate classification (germline): Benign. Review status: criteria provided, single submitter (1 of 4 stars). 2 submissions from 2 submitters: Benign (1). 1 of the submissions does not count toward it. Last evaluated 2018-01-12.

Conditions:
Quebec platelet disorder (QPD). Also called: FACTOR V QUEBEC; BLEEDING DISORDER, PLATELET-TYPE, 5. Identifiers: Orphanet 220436, MedGen C1866423, MONDO:0011136, OMIM 601709.

Allele frequency attached by ClinVar (database versions not stated): gnomAD exomes 0.00022 and 0.00024; 1000 Genomes Project 0.00040; gnomAD 0.00017 and 0.00068; 1000 Genomes Project 30x 0.00031; TOPMed 0.00079; ExAC 0.00030.
gnomAD v4.1: 458 of 1,614,102 alleles (0.028%); highest among the groups gnomAD compares: South Asian, 0.11%; 4 homozygotes.

Submissions (2):

Illumina Laboratory Services, Illumina
Classification: Benign for Quebec platelet disorder. Last evaluated: 2018-01-12. Review status: criteria provided, single submitter. Criteria: ICSL Variant Classification Criteria 13 December 2019. Collection method: clinical testing. Allele origin: germline.
Comment: This variant was observed in the ICSL laboratory as part of a predisposition screen in an ostensibly healthy population. It had not been previously curated by ICSL or reported in the Human Gene Mutation Database (HGMD: prior to June 1st, 2018), and was therefore a candidate for classification through an automated scoring system. Utilizing variant allele frequency, disease prevalence and penetrance estimates, and inheritance mode, an automated score was calculated to assess if this variant is too frequent to cause the disease. Based on the score and internal cut-off values, a variant classified as benign is not then subjected to further curation. The score for this variant resulted in a classification of benign for this disease.

Department of Pathology and Laboratory Medicine, Sinai Health System
Classification: Uncertain significance. Review status: no assertion criteria provided. Collection method: clinical testing. Allele origin: unknown. Affected: yes. Study: The Canadian Open Genetics Repository (COGR). Not counted in ClinVar's aggregate classification.
Comment: The PLAU p.Arg207Gln variant was not identified in the literature but was identified in dbSNP (ID: rs546931331) and ClinVar (classified as likely benign by Illumina for Quebec platelet disorder). The variant was identified in control databases in 57 of 280872 chromosomes at a frequency of 0.0002029 (Genome Aggregation Database March 6, 2019, v2.1.1). The variant was observed in the following populations: South Asian in 33 of 30612 chromosomes (freq: 0.001078), European (non-Finnish) in 20 of 127256 chromosomes (freq: 0.000157), Other in 1 of 7214 chromosomes (freq: 0.000139), African in 1 of 24960 chromosomes (freq: 0.00004), European (Finnish) in 1 of 25112 chromosomes (freq: 0.00004) and Latino in 1 of 35406 chromosomes (freq: 0.000028), but was not observed in the Ashkenazi Jewish or East Asian populations. The p.Arg207 residue is not conserved in mammals and computational analyses (PolyPhen-2, SIFT, AlignGVGD, BLOSUM, MutationTaster) do not suggest a high likelihood of impact to the protein; however, this information is not predictive enough to rule out pathogenicity. The variant occurs outside of the splicing consensus sequence and 2 of 4 in silico or computational prediction software programs (SpliceSiteFinder, MaxEntScan, NNSPLICE, GeneSplicer) predict a greater than 10% difference in splicing; this is not very predictive of pathogenicity. In summary, based on the above information the clinical significance of this variant cannot be determined with certainty at this time. This variant is classified as a variant of uncertain significance.